The following is an entry in ClinVar:

NM_020774.4(MIB1):c.229+7C>G

Gene: MIB1 (MIB E3 ubiquitin protein ligase 1; plus strand). Cytogenetic location: 18q11.2.
Variant type: single nucleotide variant.
Coding change: c.229+7C>G on transcript NM_020774.4 (MANE Select); 7 bases into the intron after coding-DNA position 229, C replaced by G.
Molecular consequence: intron variant.
Genome position (GRCh38, 1-based): chr18:21,741,819, C>G. VCF-style: chr18-21741819-C-G. GRCh37 (hg19) VCF-style: chr18-19321780-C-G.
Identifiers: ClinVar variation 2577136 (VCV002577136.1), dbSNP rs1453406629, ClinGen allele CA628978350.
Genomic context (GRCh38, chr18:21,741,819, plus strand): 5'-ACTACCGCTGCTCCGGGGCTTACGACCTCCGCATCCTGGACAGCGCGCCCACCGGTAAGC[C>G]GCGGCCACCTGGCCAGGGCTTGCGCGCGCGGGGGGAAGGGGCGAGCTGCGGTGGGCGTCG-3'

ClinVar aggregate classification (germline): Uncertain significance (1 of 4 stars; one submission).

Allele frequency attached by ClinVar (database versions not stated): gnomAD exomes below 0.00001; TOPMed 0.00001.
gnomAD v4.1: 5 of 1,587,808 alleles (0.00031%); highest among the groups gnomAD compares: Admixed American, 0.0053%; no homozygotes.

Submission:

Women's Health and Genetics/Laboratory Corporation of America, LabCorp
Classification: Uncertain significance. Last evaluated: 2023-07-20. Review status: criteria provided, single submitter. Criteria: LabCorp Variant Classification Summary - May 2015. Collection method: clinical testing. Allele origin: germline.
Comment: Variant summary: MIB1 c.229+7C>G alters a non-conserved nucleotide located close to a canonical splice site and therefore could affect mRNA splicing, leading to a significantly altered protein sequence. 4/4 computational tools predict no significant impact on normal splicing. However, these predictions have yet to be confirmed by functional studies. The variant allele was found at a frequency of 1.5e-05 in 201070 control chromosomes (gnomAD). The available data on variant occurrences in the general population are insufficient to allow any conclusion about variant significance. To our knowledge, no occurrence of c.229+7C>G in individuals affected with Left Ventricular Noncompaction 7 and no experimental evidence demonstrating its impact on protein function have been reported. No submitters have cited clinical-significance assessments for this variant to ClinVar after 2014. Based on the evidence outlined above, the variant was classified as uncertain significance.